The following is an entry in ClinVar:

NM_015294.6(TRIM37):c.40del (p.Arg14fs)

Gene: TRIM37 (tripartite motif containing 37; minus strand). Cytogenetic location: 17q22.
Variant type: Deletion.
Coding change: c.40del on transcript NM_015294.6 (MANE Select); coding-DNA position 40, one base deleted (C; older notation c.40delC).
Protein change: p.Arg14fs; shifts the reading frame from arginine 14.
Molecular consequence: frameshift variant. On other transcripts: 5 prime UTR variant (2), non-coding transcript variant (1), intron variant (3).
Genome position (GRCh38, 1-based): chr17:59,104,376, G deleted on the plus strand (C on the coding strand, the reverse complement: TRIM37 is on the minus strand); the first of 2 consecutive G bases (chr17:59,104,376-59,104,377); deleting either gives the same sequence. VCF-style (leftmost placement, unchanged base first): chr17-59104375-CG-C. GRCh37 (hg19) VCF-style: chr17-57181736-CG-C.
Other names: c.40del, p.Arg14fs (NM_001005207.5, NM_001320988.3, NM_001320989.3 and 2 more transcripts); c.-403del (NM_001320990.3); c.-713del (NM_001353083.2); c.-252+2065del (NM_001353085.2); c.21+2065del (NM_001320987.3, NM_001353082.2); short protein forms R14fs.
Identifiers: ClinVar variation 3020364 (VCV003020364.3), dbSNP rs774250815, ClinGen allele CA8678748.
Genomic context (GRCh38, chr17:59,104,375, plus strand): 5'-AGTTTGGAGCAATGAGGACACAGGCGTGCATCCCGCAATTTCTCCATACAAATGAAACAT[CG>C]GAAAACCTCAGCAATGCTCTGAAAACAGTAAAAGATGTAAGGTCCACCAGTTTAGGCTAC-3'

ClinVar aggregate classification (germline): Pathogenic (1 of 4 stars; one submission).

Submission:

Labcorp Genetics (formerly Invitae), Labcorp
Classification: Pathogenic. Last evaluated: 2023-12-01. Review status: criteria provided, single submitter. Criteria: Invitae Variant Classification Sherloc (09022015). Collection method: clinical testing. Allele origin: germline.
Comment: This sequence change creates a premature translational stop signal (p.Arg14Aspfs*31) in the TRIM37 gene. It is expected to result in an absent or disrupted protein product. Loss-of-function variants in TRIM37 are known to be pathogenic (PMID: 10888877, 15108285). This variant is present in population databases (rs774250815, gnomAD 0.006%). This variant has not been reported in the literature in individuals affected with TRIM37-related conditions. For these reasons, this variant has been classified as Pathogenic.

Literature cited by the submitters: PubMed 10888877; PubMed 15108285.